The following is an entry in ClinVar:

NM_000504.4(F10):c.730G>A (p.Gly244Arg)

Genes: F10 (coagulation factor X; plus strand), F10-AS2 (F10 antisense RNA 2; minus strand). Cytogenetic location: 13q34.
Variant type: single nucleotide variant.
Coding change: c.730G>A on transcript NM_000504.4 (MANE Select); coding-DNA position 730, G replaced by A.
Protein change: p.Gly244Arg; replaces glycine 244 with arginine.
Molecular consequence: missense variant.
Genome position (GRCh38, 1-based): chr13:113,144,078, G>A. VCF-style: chr13-113144078-G-A. GRCh37 (hg19) VCF-style: chr13-113798392-G-A.
Other names: c.598G>A, p.Gly200Arg (NM_001312674.2); c.730G>A, p.Gly244Arg (NM_001312675.2); short protein forms G200R, G244R.
Identifiers: ClinVar variation 3765278 (VCV003765278.1).

ClinVar aggregate classification (germline): Pathogenic (1 of 4 stars; one submission).

Submission:

Center for Genomic Medicine, Rigshospitalet, Copenhagen University Hospital
Classification: Pathogenic. Last evaluated: 2025-03-04. Review status: criteria provided, single submitter. Criteria: ACMG Guidelines, 2015. Collection method: clinical testing. Allele origin: germline.
Comment: Classification criteria: PM2_Supporting, PP3_Moderate, PS4_Moderate, PP1_Moderate/Strong

Literature cited by the submitters: PubMed 18403394; PubMed 28302935; PubMed 18245654; PubMed 12028042.